The following is an entry in ClinVar:

NM_000135.4(FANCA):c.1031G>A (p.Arg344Lys)

Gene: FANCA (FA complementation group A; minus strand). Cytogenetic location: 16q24.3.
Variant type: single nucleotide variant.
Coding change: c.1031G>A on transcript NM_000135.4 (MANE Select); coding-DNA position 1031, G replaced by A.
Protein change: p.Arg344Lys; replaces arginine 344 with lysine.
Molecular consequence: missense variant.
Genome position (GRCh38, 1-based): chr16:89,792,523, C>T on the plus strand (G>A on the coding strand, the complement: FANCA is on the minus strand). VCF-style: chr16-89792523-C-T. GRCh37 (hg19) VCF-style: chr16-89858931-C-T.
Other names: c.1031G>A, p.Arg344Lys (NM_001286167.3); short protein forms R344K.
Identifiers: ClinVar variation 4711219 (VCV004711219.1).

ClinVar aggregate classification (germline): Uncertain significance (1 of 4 stars; one submission).

Conditions:
Fanconi anemia (FA). Also called: Fanconi's anemia. Identifiers: Orphanet 84, MedGen C0015625, MeSH D005199, MONDO:0019391.

gnomAD v4.1: 2 of 1,613,438 alleles (0.00012%); highest among the groups gnomAD compares: South Asian, 0.0011%; no homozygotes.

Submission:

Labcorp Genetics (formerly Invitae), Labcorp
Classification: Uncertain significance for Fanconi anemia. Last evaluated: 2025-03-05. Review status: criteria provided, single submitter. Criteria: Invitae Variant Classification Sherloc (09022015). Collection method: clinical testing. Allele origin: germline.
Comment: This sequence change replaces arginine, which is basic and polar, with lysine, which is basic and polar, at codon 344 of the FANCA protein (p.Arg344Lys). This variant is not present in population databases (gnomAD no frequency). This variant has not been reported in the literature in individuals affected with FANCA-related conditions. Invitae Evidence Modeling of protein sequence and biophysical properties (such as structural, functional, and spatial information, amino acid conservation, physicochemical variation, residue mobility, and thermodynamic stability) indicates that this missense variant is not expected to disrupt FANCA protein function with a negative predictive value of 95%. In summary, the available evidence is currently insufficient to determine the role of this variant in disease. Therefore, it has been classified as a Variant of Uncertain Significance.